The following is an entry in ClinVar:

NM_000419.5(ITGA2B):c.1413C>T (p.Tyr471=)

Gene: ITGA2B (integrin subunit alpha 2b; minus strand). Cytogenetic location: 17q21.31.
Variant type: single nucleotide variant.
Coding change: c.1413C>T on transcript NM_000419.5 (MANE Select); coding-DNA position 1413, C replaced by T.
Protein change: p.Tyr471=; no amino-acid change (tyrosine 471 retained).
Molecular consequence: synonymous variant.
Genome position (GRCh38, 1-based): chr17:44,380,626, G>A on the plus strand (C>T on the coding strand, the complement: ITGA2B is on the minus strand). VCF-style: chr17-44380626-G-A. GRCh37 (hg19) VCF-style: chr17-42457994-G-A.
Other names: NM_000419.5(ITGA2B):c.1413C>T; p.Tyr471=.
Identifiers: ClinVar variation 698960 (VCV000698960.8), dbSNP rs78218617, ClinGen allele CA8603102.
Genomic context (GRCh38, chr17:44,380,626, plus strand): 5'-CCTTCCCCATCCCGCCCCTGGAGCCAGTGCTCACCTGTACACAGCCACCTGGTTGGCCCC[G>A]TAAGCTCCCACGATCAGGTCTATAGACATCGAGGAATGGGTCAGAATTGGCGATTAGGGC-3'
Protein context (NP_000410.2, residues 461-481): NGYPDLIVGA[Tyr471=]GANQVAVYRA

ClinVar aggregate classification (germline): Likely benign. Review status: reviewed by expert panel (3 of 4 stars). 2 submissions from 2 submitters: Likely benign (1). 1 of the submissions does not count toward it. Last evaluated 2023-08-15.

Conditions:
Glanzmann thrombasthenia. Also called: PLATELET GLYCOPROTEIN IIb-IIIa DEFICIENCY; BLEEDING DISORDER, PLATELET-TYPE, 2; THROMBASTHENIA OF GLANZMANN AND NAEGELI; Glanzmann's thrombasthenia; Thrombasthenia. Identifiers: Orphanet 849, MedGen C0040015, MONDO:0100326.

Allele frequency attached by ClinVar (database versions not stated): ExAC 0.00003; TOPMed 0.00003; gnomAD 0.00006; 1000 Genomes Project 0.00020; 1000 Genomes Project 30x 0.00031.
gnomAD v4.1: 38 of 1,614,172 alleles (0.0024%); highest among the groups gnomAD compares: East Asian, 0.033%; no homozygotes.

Submissions (2):

ClinGen Platelet Disorders Variant Curation Expert Panel, ClinGen
Classification: Likely benign for Glanzmann thrombasthenia. Last evaluated: 2023-08-15. Review status: reviewed by expert panel. Criteria: ClinGen Platelet ACMG Specifications v2-1. Collection method: curation. Allele origin: germline. Inheritance: Autosomal recessive inheritance.
Comment: After a comprehensive literature search of the synonymous variant NM_000419.5(ITGA2B):c.1413C>T (p.Tyr471=), no individuals with Glanzmann Thrombasthenia were reported with the variant. The variant has a high minor allele frequency of 0.0005513 (11/19954 alleles) based off the East Asian population, which does not meet threshold for PM2_supporting or BS1. In silico predictor spliceAI revealed that the synonymous mutation is not expected to impact splicing and a PhyloP score of -1.38 shows that the nucleotide position is not highly conserved (BP4, BP7). In summary, this variant meets the criteria to be classified as Likely Benign for autosomal recessive Glanzmann Thrombasthenia based on the ACMG/AMP criteria applied, as specified by the ClinGen PD VCEP: BP4 and BP7 (PD VCEP specifications version 2.1).

Labcorp Genetics (formerly Invitae), Labcorp
Classification: Likely benign for Glanzmann thrombasthenia. Last evaluated: 2025-09-10. Review status: criteria provided, single submitter. Criteria: Invitae Variant Classification Sherloc (09022015). Collection method: clinical testing. Allele origin: germline. Not counted in ClinVar's aggregate classification.